The following is an entry in ClinVar:

NM_001849.4(COL6A2):c.659T>C (p.Leu220Pro)

Gene: COL6A2 (collagen type VI alpha 2 chain; plus strand). Cytogenetic location: 21q22.3.
Variant type: single nucleotide variant.
Coding change: c.659T>C on transcript NM_001849.4 (MANE Select); coding-DNA position 659, T replaced by C.
Protein change: p.Leu220Pro; replaces leucine 220 with proline.
Molecular consequence: missense variant.
Genome position (GRCh38, 1-based): chr21:46,112,522, T>C. VCF-style: chr21-46112522-T-C. GRCh37 (hg19) VCF-style: chr21-47532436-T-C.
Other names: c.659T>C, p.Leu220Pro (NM_058174.3, NM_058175.3); short protein forms L220P.
Identifiers: ClinVar variation 1700890 (VCV001700890.7), dbSNP rs1208218678, ClinGen allele CA410522184.
Genomic context (GRCh38, chr21:46,112,522, plus strand): 5'-GCCTGCGGGACATCGCCAGCACGCCGCACGAGCTCTACCGCAACGACTACGCCACCATGC[T>C]GCCCGACTCCACCGAGATCGACCAGGACACCATCAACCGCATCATCAAGGTCATGGTGAG-3'
Protein context (NP_001840.3, residues 210-230): ELYRNDYATM[Leu220Pro]PDSTEIDQDT

ClinVar aggregate classification (germline): Uncertain significance. Review status: criteria provided, multiple submitters, no conflicts (2 of 4 stars). 2 submissions from 2 submitters: Uncertain significance (2). Last evaluated 2022-02-15.

Conditions:
Bethlem myopathy 1A. Also called: Bethlem Muscular Dystrophy; MYOPATHY, BENIGN CONGENITAL, WITH CONTRACTURES; Bethlem myopathy 1. Identifiers: Orphanet 610, MedGen CN029274, MONDO:0024530, OMIM 158810.

Allele frequency attached by ClinVar (database versions not stated): gnomAD exomes 0.00001.
gnomAD v4.1: 3 of 1,605,796 alleles (0.00019%); highest among the groups gnomAD compares: South Asian, 0.0033%; no homozygotes.

Submissions (2):

GeneDx
Classification: Uncertain significance. Last evaluated: 2022-02-15. Review status: criteria provided, single submitter. Criteria: GeneDx Variant Classification Process June 2021. Collection method: clinical testing. Allele origin: germline. Affected: yes.
Comment: Not observed at significant frequency in large population cohorts (gnomAD); In silico analysis supports that this missense variant does not alter protein structure/function; Has not been previously published as pathogenic or benign to our knowledge

Labcorp Genetics (formerly Invitae), Labcorp
Classification: Uncertain significance for Bethlem myopathy 1A. Last evaluated: 2022-02-09. Review status: criteria provided, single submitter. Criteria: Invitae Variant Classification Sherloc (09022015). Collection method: clinical testing. Allele origin: germline.
Comment: This sequence change replaces leucine, which is neutral and non-polar, with proline, which is neutral and non-polar, at codon 220 of the COL6A2 protein (p.Leu220Pro). This variant is not present in population databases (gnomAD no frequency). This variant has not been reported in the literature in individuals affected with COL6A2-related conditions. Advanced modeling of protein sequence and biophysical properties (such as structural, functional, and spatial information, amino acid conservation, physicochemical variation, residue mobility, and thermodynamic stability) performed at Invitae indicates that this missense variant is not expected to disrupt COL6A2 protein function. In summary, the available evidence is currently insufficient to determine the role of this variant in disease. Therefore, it has been classified as a Variant of Uncertain Significance.